The following is an entry in ClinVar:

ClinVar aggregate classification (germline): Pathogenic (1 of 4 stars; one submission).

Conditions:
Bardet-Biedl syndrome 3 (BBS3). Identifiers: Orphanet 110, MedGen C1859564, MONDO:0010832, OMIM 600151.
Retinitis pigmentosa 55 (RP55). Identifiers: Orphanet 791, MedGen C3150808, MONDO:0013312, OMIM 613575.

Submission:

Labcorp Genetics (formerly Invitae), Labcorp
Classification: Pathogenic for Retinitis pigmentosa 55; Bardet-Biedl syndrome 3. Last evaluated: 2023-08-08. Review status: criteria provided, single submitter. Criteria: Invitae Variant Classification Sherloc (09022015). Collection method: clinical testing. Allele origin: germline.
Comment: For these reasons, this variant has been classified as Pathogenic. This variant has not been reported in the literature in individuals affected with ARL6-related conditions. This variant is not present in population databases (gnomAD no frequency). This sequence change creates a premature translational stop signal (p.Tyr84*) in the ARL6 gene. It is expected to result in an absent or disrupted protein product. Loss-of-function variants in ARL6 are known to be pathogenic (PMID: 15258860, 19858128, 20142850, 22334370, 27486776, 31736247).

Literature cited by the submitters: PubMed 15258860; PubMed 19858128; PubMed 20142850; PubMed 22334370; PubMed 27486776; PubMed 31736247.

NM_001278293.3(ARL6):c.252T>G (p.Tyr84Ter)

Gene: ARL6 (ARF like GTPase 6; plus strand). Cytogenetic location: 3q11.2.
Variant type: single nucleotide variant.
Coding change: c.252T>G on transcript NM_001278293.3 (MANE Select); coding-DNA position 252, T replaced by G.
Protein change: p.Tyr84Ter; replaces tyrosine 84 with a stop codon.
Molecular consequence: nonsense. On other transcripts: non-coding transcript variant (7).
Genome position (GRCh38, 1-based): chr3:97,780,681, T>G. VCF-style: chr3-97780681-T-G. GRCh37 (hg19) VCF-style: chr3-97499525-T-G.
Other names: c.252T>G, p.Tyr84Ter (NM_001323513.2, NM_001323514.2, NM_032146.5 and 1 more transcripts); short protein forms Y84*.
Identifiers: ClinVar variation 2950809 (VCV002950809.3), dbSNP rs2529896796, ClinGen allele CA353586338.
Genomic context (GRCh38, chr3:97,780,681, plus strand): 5'-ATTTACAGTGTTTGACATGTCAGGTCAAGGAAGATACAGAAATCTCTGGGAACACTATTA[T>G]AAGTAAGTACATCTGTGAATGTTGCTTAACTAGATGGTTTTTACTAATAATAATGATTAG-3'